The following is an entry in ClinVar:

NM_018124.4(RFWD3):c.2181+6C>T

Gene: RFWD3 (ring finger and WD repeat domain 3; minus strand). Cytogenetic location: 16q23.1.
Variant type: single nucleotide variant.
Coding change: c.2181+6C>T on transcript NM_018124.4 (MANE Select); 6 bases into the intron after coding-DNA position 2181, C replaced by T.
Molecular consequence: intron variant.
Genome position (GRCh38, 1-based): chr16:74,626,337, G>A on the plus strand (C>T on the coding strand, the complement: RFWD3 is on the minus strand). VCF-style: chr16-74626337-G-A. GRCh37 (hg19) VCF-style: chr16-74660235-G-A.
Other names: c.2181+6C>T (NM_001370534.1, NM_001370535.1); c.1347+6C>T (NM_001370539.1, NM_001370537.1, NM_001370543.1 and 2 more transcripts); c.2004+6C>T (NM_001370536.1).
Identifiers: ClinVar variation 3675845 (VCV003675845.2).

ClinVar aggregate classification (germline): Uncertain significance (1 of 4 stars; one submission).

gnomAD v4.1: 6 of 1,611,586 alleles (0.00037%); highest among the groups gnomAD compares: Admixed American, 0.0067%; no homozygotes.

Submission:

Labcorp Genetics (formerly Invitae), Labcorp
Classification: Uncertain significance. Last evaluated: 2024-03-01. Review status: criteria provided, single submitter. Criteria: Invitae Variant Classification Sherloc (09022015). Collection method: clinical testing. Allele origin: germline.
Comment: This sequence change falls in intron 12 of the RFWD3 gene. It does not directly change the encoded amino acid sequence of the RFWD3 protein. It affects a nucleotide within the consensus splice site. This variant is present in population databases (no rsID available, gnomAD 0.01%). This variant has not been reported in the literature in individuals affected with RFWD3-related conditions. Variants that disrupt the consensus splice site are a relatively common cause of aberrant splicing (PMID: 17576681, 9536098). Algorithms developed to predict the effect of sequence changes on RNA splicing suggest that this variant is not likely to affect RNA splicing. In summary, the available evidence is currently insufficient to determine the role of this variant in disease. Therefore, it has been classified as a Variant of Uncertain Significance.

Literature cited by the submitters: PubMed 17576681; PubMed 9536098.